The following is an entry in ClinVar:

NM_006005.3(WFS1):c.476A>G (p.Asn159Ser)

Gene: WFS1 (wolframin ER transmembrane glycoprotein; plus strand). Cytogenetic location: 4p16.1.
Variant type: single nucleotide variant.
Coding change: c.476A>G on transcript NM_006005.3 (MANE Select); coding-DNA position 476, A replaced by G.
Protein change: p.Asn159Ser; replaces asparagine 159 with serine.
Molecular consequence: missense variant.
Genome position (GRCh38, 1-based): chr4:6,291,212, A>G. VCF-style: chr4-6291212-A-G. GRCh37 (hg19) VCF-style: chr4-6292939-A-G.
Other names: c.476A>G, p.Asn159Ser (NM_001145853.1); short protein forms N159S.
Identifiers: ClinVar variation 3044331 (VCV003044331.3), dbSNP rs766408620, ClinGen allele CA2838917.

ClinVar aggregate classification (germline): Uncertain significance. Review status: criteria provided, single submitter (1 of 4 stars). 2 submissions from 2 submitters: Uncertain significance (1). 1 of the submissions does not count toward it. Last evaluated 2022-12-01.

Conditions:
WFS1-related disorder. Identifiers: MedGen CN379391, MONDO:0700293.

Allele frequency attached by ClinVar (database versions not stated): gnomAD exomes 0.00001; ExAC 0.00002.
gnomAD v4.1: 5 of 1,612,676 alleles (0.00031%); highest among the groups gnomAD compares: Non-Finnish European, 0.00034%; no homozygotes.

Submissions (2):

Blueprint Genetics
Classification: Uncertain significance. Last evaluated: 2022-12-01. Review status: criteria provided, single submitter. Criteria: ACMG Guidelines, 2015. Collection method: clinical testing. Allele origin: germline.

PreventionGenetics, part of Exact Sciences
Classification: Uncertain significance for WFS1-related condition. Last evaluated: 2023-11-24. Review status: no assertion criteria provided. Collection method: clinical testing. Allele origin: germline. Not counted in ClinVar's aggregate classification.
Comment: The WFS1 c.476A>G variant is predicted to result in the amino acid substitution p.Asn159Ser. To our knowledge, this variant has not been reported in the literature. This variant is reported in 0.0018% of alleles in individuals of European (Non-Finnish) descent in gnomAD. At this time, the clinical significance of this variant is uncertain due to the absence of conclusive functional and genetic evidence.